The following is an entry in ClinVar:

ClinVar aggregate classification (germline): Uncertain significance (1 of 4 stars; one submission).

Submission:

GeneDx
Classification: Uncertain significance. Last evaluated: 2022-08-30. Review status: criteria provided, single submitter. Criteria: GeneDx Variant Classification Process June 2021. Collection method: clinical testing. Allele origin: germline. Affected: yes.
Comment: Not observed at significant frequency in large population cohorts (gnomAD); In silico analysis supports a deleterious effect on splicing; Located in the A-band region of TTN in which the majority of loss of function variants have been associated with autosomal dominant titinopathies (Herman et al., 2012); Has not been previously published as pathogenic or benign to our knowledge; This variant is associated with the following publications: (PMID: 22335739)

NM_001267550.2(TTN):c.64673-5T>G

Genes: TTN (titin; minus strand), TTN-AS1 (TTN antisense RNA 1; plus strand). Cytogenetic location: 2q31.2.
Variant type: single nucleotide variant.
Coding change: c.64673-5T>G on transcript NM_001267550.2 (MANE Select); 5 bases into the intron before coding-DNA position 64673, T replaced by G.
Molecular consequence: intron variant. On other transcripts: non-coding transcript variant (1).
Genome position (GRCh38, 1-based): chr2:178,584,973, A>C on the plus strand (T>G on the coding strand, the complement: TTN is on the minus strand). VCF-style: chr2-178584973-A-C. GRCh37 (hg19) VCF-style: chr2-179449700-A-C.
Other names: c.37478-5T>G (NM_003319.4); c.38054-5T>G (NM_133437.4); c.37853-5T>G (NM_133432.3); c.56969-5T>G (NM_133378.4); c.59750-5T>G (NM_001256850.1).
Identifiers: ClinVar variation 2442736 (VCV002442736.1), dbSNP rs530496528, ClinGen allele CA430263377.